The following is an entry in ClinVar:

NC_000012.11:g.(?_2558132)_(2800365_?)dup

Gene: CACNA1C (calcium voltage-gated channel subunit alpha1 C; plus strand). Cytogenetic location: 12p13.33.
Variant type: Duplication.
Identifiers: ClinVar variation 1409913 (VCV001409913.1).

ClinVar aggregate classification (germline): Uncertain significance (1 of 4 stars; one submission).

Conditions:
Long QT syndrome (LQTS). Identifiers: MedGen C0023976, MeSH D008133, MONDO:0002442. Disease mechanism: loss of function. Inheritance: Various modes of inheritance.

Submission:

Labcorp Genetics (formerly Invitae), Labcorp
Classification: Uncertain significance for Long QT syndrome. Last evaluated: 2020-11-07. Review status: criteria provided, single submitter. Criteria: Invitae Variant Classification Sherloc (09022015). Collection method: clinical testing. Allele origin: germline.
Comment: This variant results in a copy number gain of the genomic region encompassing exon(s) 4-47 of the CACNA1C gene. The 5' boundary is likely confined to intron 3. The 3' end of this event is unknown as it extends beyond the assayed region for this gene and therefore may encompass additional genes. As the precise location of this event is unknown, it may be in tandem or it may be located elsewhere in the genome. This variant has not been reported in the literature in individuals with CACNA1C-related conditions. Experimental studies and prediction algorithms are not available or were not evaluated, and the functional significance of this variant is currently unknown. In summary, the available evidence is currently insufficient to determine the role of this variant in disease. Therefore, it has been classified as a Variant of Uncertain Significance.